The following is an entry in ClinVar:

NM_152594.3(SPRED1):c.3G>A (p.Met1Ile)

Gene: SPRED1 (sprouty related EVH1 domain containing 1; plus strand). Cytogenetic location: 15q14.
Variant type: single nucleotide variant.
Coding change: c.3G>A on transcript NM_152594.3 (MANE Select); coding-DNA position 3, G replaced by A.
Protein change: p.Met1Ile; changes the start codon (methionine 1).
Molecular consequence: missense variant, initiator codon variant.
Genome position (GRCh38, 1-based): chr15:38,253,188, G>A. VCF-style: chr15-38253188-G-A. GRCh37 (hg19) VCF-style: chr15-38545389-G-A.
Other names: short protein forms M1I.
Identifiers: ClinVar variation 854050 (VCV000854050.12), dbSNP rs1324903101, ClinGen allele CA391931793.
Genomic context (GRCh38, chr15:38,253,188, plus strand): 5'-TTGCTCCCCCGCCTGCTGTTGCTCCTCCATCTCCAGATCGGATCACGGTGAGGGAAAGAT[G>A]AGCGAGGAGACGGCGACTTCTGACAACGAGTAAGCGCCTCATTGATCTCGATTGCTAATC-3'
Protein context (NP_689807.1, residues 1-11): [Met1Ile]SEETATSDND

ClinVar aggregate classification (germline): Pathogenic/Likely pathogenic. Review status: criteria provided, multiple submitters, no conflicts (2 of 4 stars). 2 submissions from 2 submitters: Pathogenic (1); Likely pathogenic (1). Last evaluated 2022-08-23.

Conditions:
SPRED1-related disorder. Also called: SPRED1-related condition.
Legius syndrome. Identifiers: Orphanet 137605, MedGen C1969623, MONDO:0012669, OMIM 611431. Disease mechanism: loss of function.

Submissions (2):

Labcorp Genetics (formerly Invitae), Labcorp
Classification: Pathogenic for Legius syndrome. Last evaluated: 2022-08-23. Review status: criteria provided, single submitter. Criteria: Invitae Variant Classification Sherloc (09022015). Collection method: clinical testing. Allele origin: germline.
Comment: For these reasons, this variant has been classified as Pathogenic. ClinVar contains an entry for this variant (Variation ID: 854050). Disruption of the initiator codon has been observed in individuals with clinical features of Legius syndrome (PMID: 19366998, 32107864; Invitae). It has also been observed to segregate with disease in related individuals. This variant is not present in population databases (gnomAD no frequency). This sequence change affects the initiator methionine of the SPRED1 mRNA. The next in-frame methionine is located at codon 22.

Blueprint Genetics
Classification: Likely pathogenic for SPRED1-related disorders. Last evaluated: 2018-04-03. Review status: criteria provided, single submitter. Criteria: ACMG Guidelines, 2015. Collection method: clinical testing. Allele origin: germline. Affected: yes. Observed: 1 variant allele.

Literature cited by the submitters: PubMed 19366998 (cited by Labcorp Genetics (formerly Invitae), Labcorp); PubMed 32107864 (cited by Labcorp Genetics (formerly Invitae), Labcorp).